The following is an entry in ClinVar:

NM_006258.4(PRKG1):c.2054A>C (p.Asp685Ala)

Gene: PRKG1 (protein kinase cGMP-dependent 1; plus strand). Cytogenetic location: 10q21.1.
Variant type: single nucleotide variant.
Coding change: c.2054A>C on transcript NM_006258.4 (MANE Select); coding-DNA position 2054, A replaced by C.
Protein change: p.Asp685Ala; replaces aspartic acid 685 with alanine.
Molecular consequence: missense variant.
Genome position (GRCh38, 1-based): chr10:52,293,893, A>C. VCF-style: chr10-52293893-A-C. GRCh37 (hg19) VCF-style: chr10-54053653-A-C.
Other names: c.2009A>C, p.Asp670Ala (NM_001098512.3); c.845A>C, p.Asp282Ala (NM_001374781.1); short protein forms D282A, D670A, D685A.
Identifiers: ClinVar variation 3938228 (VCV003938228.1).
Genomic context (GRCh38, chr10:52,293,893, plus strand): 5'-ACAGTTTCCCTGAGGACAACGATGAACCACCACCTGATGACAACTCAGGATGGGATATAG[A>C]CTTCTAATGTATTTCTCTTACCTGCTTCTGCCTTGCTGAAGACAGCTTTTTCTGAGACAC-3'
Protein context (NP_006249.1, residues 675-686): PPDDNSGWDI[Asp685Ala]F

ClinVar aggregate classification (germline): Uncertain significance (1 of 4 stars; one submission).

Conditions:
Familial thoracic aortic aneurysm and aortic dissection (TAAD). Also called: Thoracic aortic aneurysms and dissections. Identifiers: Orphanet 91387, MedGen C4707243, MONDO:0019625.

gnomAD v4.1: 1 of 1,608,474 alleles (0.000062%); highest among the groups gnomAD compares: African/African-American, 0.0013%; no homozygotes.

Submission:

Ambry Genetics
Classification: Uncertain significance for Familial thoracic aortic aneurysm and aortic dissection. Last evaluated: 2025-06-10. Review status: criteria provided, single submitter. Criteria: Ambry Variant Classification Scheme 2023. Collection method: clinical testing. Allele origin: germline.
Comment: The p.D685A variant (also known as c.2054A>C), located in coding exon 18 of the PRKG1 gene, results from an A to C substitution at nucleotide position 2054. The aspartic acid at codon 685 is replaced by alanine, an amino acid with dissimilar properties. This amino acid position is conserved. In addition, this alteration is predicted to be deleterious by in silico analysis. Based on the available evidence, the clinical significance of this variant remains unclear.